The following is an entry in ClinVar:

NM_002185.5(IL7R):c.625C>T (p.Pro209Ser)

Gene: IL7R (interleukin 7 receptor; plus strand). Cytogenetic location: 5p13.2.
Variant type: single nucleotide variant.
Coding change: c.625C>T on transcript NM_002185.5 (MANE Select); coding-DNA position 625, C replaced by T.
Protein change: p.Pro209Ser; replaces proline 209 with serine.
Molecular consequence: missense variant.
Genome position (GRCh38, 1-based): chr5:35,873,567, C>T. VCF-style: chr5-35873567-C-T. GRCh37 (hg19) VCF-style: chr5-35873669-C-T.
Other names: c.625C>T (NM_002185.2); short protein forms P209S.
Identifiers: ClinVar variation 1470697 (VCV001470697.4), dbSNP rs748643880, ClinGen allele CA3232040.
Genomic context (GRCh38, chr5:35,873,567, plus strand): 5'-ACACTCCTGCAGAGAAAGCTCCAACCGGCAGCAATGTATGAGATTAAAGTTCGATCCATC[C>T]CTGATCACTATTTTAAAGGCTTCTGGAGTGAATGGAGTCCAAGTTATTACTTCAGAACTC-3'
Protein context (NP_002176.2, residues 199-219): AMYEIKVRSI[Pro209Ser]DHYFKGFWSE

ClinVar aggregate classification (germline): Uncertain significance. Review status: criteria provided, multiple submitters, no conflicts (2 of 4 stars). 2 submissions from 2 submitters: Uncertain significance (2). Last evaluated 2024-10-19.

Conditions:
Inborn genetic diseases. Identifiers: MedGen C0950123, MeSH D030342.
Immunodeficiency 104. Also called: Severe Combined Immune Deficiency, Autosomal Recessive, TCell -Negative, B Cell-Positive, NK Cell-Positive, IL7R-Related; Severe combined immunodeficiency, autosomal recessive, T cell-negative, B cell-positive, NK cell-positive; SCID, AUTOSOMAL RECESSIVE, T CELL-NEGATIVE, B CELL-POSITIVE, NK CELL-POSITIVE; IMMUNODEFICIENCY 104, SEVERE COMBINED. Identifiers: MedGen C5676890, MONDO:0012163, OMIM 608971.

Allele frequency attached by ClinVar (database versions not stated): ExAC 0.00001; gnomAD 0.00001; gnomAD exomes 0.00001 and 0.00002; TOPMed 0.00003.

Submissions (2):

Ambry Genetics
Classification: Uncertain significance for Inborn genetic diseases. Last evaluated: 2024-10-19. Review status: criteria provided, single submitter. Criteria: Ambry Variant Classification Scheme 2023. Collection method: clinical testing. Allele origin: germline.

Labcorp Genetics (formerly Invitae), Labcorp
Classification: Uncertain significance for Immunodeficiency 104. Last evaluated: 2021-08-23. Review status: criteria provided, single submitter. Criteria: Invitae Variant Classification Sherloc (09022015). Collection method: clinical testing. Allele origin: germline.
Comment: This sequence change replaces proline with serine at codon 209 of the IL7R protein (p.Pro209Ser). The proline residue is highly conserved and there is a moderate physicochemical difference between proline and serine. This variant is present in population databases (rs748643880, ExAC 0.009%). This variant has not been reported in the literature in individuals affected with IL7R-related conditions. Advanced modeling of protein sequence and biophysical properties (such as structural, functional, and spatial information, amino acid conservation, physicochemical variation, residue mobility, and thermodynamic stability) performed at Invitae indicates that this missense variant is expected to disrupt IL7R protein function. In summary, the available evidence is currently insufficient to determine the role of this variant in disease. Therefore, it has been classified as a Variant of Uncertain Significance.